The following is an entry in ClinVar:

ClinVar aggregate classification (germline): Uncertain significance (1 of 4 stars; one submission).

Conditions:
PLXNA3-related disorder. Also called: PLXNA3-related condition.

gnomAD v4.1: 41 of 1,208,276 alleles (0.0034%); highest among the groups gnomAD compares: Non-Finnish European, 0.0045%; no homozygotes.

Submission:

PreventionGenetics, part of Exact Sciences
Classification: Uncertain significance for PLXNA3-related condition. Last evaluated: 2025-09-16. Review status: criteria provided, single submitter. Criteria: ACMG Guidelines, 2015. Collection method: clinical testing. Allele origin: germline.
Comment: The PLXNA3 c.3520C>A variant is predicted to result in the amino acid substitution p.Leu1174Ile. To our knowledge, this variant has not been reported in the literature. This variant is reported in 0.0011% of alleles in individuals of European (Non-Finnish) descent in gnomAD. At this time, the clinical significance of this variant is uncertain due to the absence of conclusive functional and genetic evidence.

NM_017514.5(PLXNA3):c.3520C>A (p.Leu1174Ile)

Gene: PLXNA3 (plexin A3; plus strand). Cytogenetic location: Xq28.
Variant type: single nucleotide variant.
Coding change: c.3520C>A on transcript NM_017514.5 (MANE Select); coding-DNA position 3520, C replaced by A.
Protein change: p.Leu1174Ile; replaces leucine 1174 with isoleucine.
Molecular consequence: missense variant.
Genome position (GRCh38, 1-based): chrX:154,467,623, C>A. VCF-style: chrX-154467623-C-A. GRCh37 (hg19) VCF-style: chrX-153695966-C-A.
Other names: short protein forms L1174I.
Identifiers: ClinVar variation 4985170 (VCV004985170.1).